The following is an entry in ClinVar:

NM_000018.4(ACADVL):c.59G>A (p.Gly20Glu)

Genes: ACADVL (acyl-CoA dehydrogenase very long chain; plus strand), DLG4 (discs large MAGUK scaffold protein 4; minus strand). Cytogenetic location: 17p13.1.
Variant type: single nucleotide variant.
Coding change: c.59G>A on transcript NM_000018.4 (MANE Select); coding-DNA position 59, G replaced by A.
Protein change: p.Gly20Glu; replaces glycine 20 with glutamic acid.
Molecular consequence: missense variant. On other transcripts: 5 prime UTR variant (2), non-coding transcript variant (1), intron variant (1).
Genome position (GRCh38, 1-based): chr17:7,220,043, G>A. VCF-style: chr17-7220043-G-A. GRCh37 (hg19) VCF-style: chr17-7123362-G-A.
Other names: c.-1194C>T (NM_001321074.1); c.59G>A, p.Gly20Glu (NM_001033859.3); c.-245G>A (NM_001270448.2); c.132-79G>A (NM_001270447.2); short protein forms G20E.
Identifiers: ClinVar variation 2146837 (VCV002146837.1), dbSNP rs764285088, ClinGen allele CA8337520.
Genomic context (GRCh38, chr17:7,220,043, plus strand): 5'-AGATGCAGGCGGCTCGGATGGCCGCGAGCTTGGGGCGGCAGCTGCTGAGGCTCGGGGGCG[G>A]AAGGTCTGTGTGTGACAAGAGGGACGGTGGGCAGCGGCCCTGGGCACCGGGCCGGCACTG-3'
Protein context (NP_000009.1, residues 10-30): LGRQLLRLGG[Gly20Glu]SSRLTALLGQ

ClinVar aggregate classification (germline): Uncertain significance (1 of 4 stars; one submission).

Conditions:
Very long chain acyl-CoA dehydrogenase deficiency (ACADVLD). Also called: VLCAD Deficiency; Very Long-Chain Acyl-Coenzyme A Dehydrogenase Deficiency. Identifiers: Orphanet 26793, MedGen C3887523, MONDO:0008723, OMIM 201475.

Allele frequency attached by ClinVar (database versions not stated): gnomAD exomes below 0.00001; ExAC 0.00001.
gnomAD v4.1: 1 of 1,603,664 alleles (0.000062%); highest among the groups gnomAD compares: Non-Finnish European, 0.000085%; no homozygotes.

Submission:

Labcorp Genetics (formerly Invitae), Labcorp
Classification: Uncertain significance for Very long chain acyl-CoA dehydrogenase deficiency. Last evaluated: 2022-04-15. Review status: criteria provided, single submitter. Criteria: Invitae Variant Classification Sherloc (09022015). Collection method: clinical testing. Allele origin: germline.
Comment: This sequence change replaces glycine, which is neutral and non-polar, with glutamic acid, which is acidic and polar, at codon 20 of the ACADVL protein (p.Gly20Glu). This variant is present in population databases (rs764285088, gnomAD 0.001%). This variant has not been reported in the literature in individuals affected with ACADVL-related conditions. Algorithms developed to predict the effect of missense changes on protein structure and function are either unavailable or do not agree on the potential impact of this missense change (SIFT: "Tolerated"; PolyPhen-2: "Not Available"; Align-GVGD: "Class C0"). Algorithms developed to predict the effect of sequence changes on RNA splicing suggest that this variant may create or strengthen a splice site. In summary, the available evidence is currently insufficient to determine the role of this variant in disease. Therefore, it has been classified as a Variant of Uncertain Significance.